The following is an entry in ClinVar:

ClinVar aggregate classification (germline): Uncertain significance (1 of 4 stars; one submission).

Submission:

Labcorp Genetics (formerly Invitae), Labcorp
Classification: Uncertain significance. Last evaluated: 2022-01-04. Review status: criteria provided, single submitter. Criteria: Invitae Variant Classification Sherloc (09022015). Collection method: clinical testing. Allele origin: germline.
Comment: This variant is not present in population databases (gnomAD no frequency). This missense change has been observed in individual(s) with Perrault syndrome (Invitae). In at least one individual the data is consistent with being in trans (on the opposite chromosome) from a pathogenic variant. Algorithms developed to predict the effect of missense changes on protein structure and function are either unavailable or do not agree on the potential impact of this missense change (SIFT: "Deleterious"; PolyPhen-2: "Probably Damaging"; Align-GVGD: "Class C15"). In summary, the available evidence is currently insufficient to determine the role of this variant in disease. Therefore, it has been classified as a Variant of Uncertain Significance. This sequence change replaces tyrosine, which is neutral and polar, with phenylalanine, which is neutral and non-polar, at codon 92 of the LARS2 protein (p.Tyr92Phe).

NM_015340.4(LARS2):c.275A>T (p.Tyr92Phe)

Gene: LARS2 (leucyl-tRNA synthetase 2, mitochondrial; plus strand). Cytogenetic location: 3p21.31.
Variant type: single nucleotide variant.
Coding change: c.275A>T on transcript NM_015340.4 (MANE Select); coding-DNA position 275, A replaced by T.
Protein change: p.Tyr92Phe; replaces tyrosine 92 with phenylalanine.
Molecular consequence: missense variant.
Genome position (GRCh38, 1-based): chr3:45,400,285, A>T. VCF-style: chr3-45400285-A-T. GRCh37 (hg19) VCF-style: chr3-45441777-A-T.
Other names: c.275A>T, p.Tyr92Phe (NM_001368263.1); short protein forms Y92F.
Identifiers: ClinVar variation 1369956 (VCV001369956.8), dbSNP rs2125675498, ClinGen allele CA352975422.